The following is an entry in ClinVar:

ClinVar aggregate classification (germline): Pathogenic/Likely pathogenic. Review status: criteria provided, multiple submitters, no conflicts (2 of 4 stars). 4 submissions from 4 submitters: Pathogenic (2); Likely pathogenic (1). 1 of the submissions does not count toward it. Last evaluated 2026-02-02.

Conditions:
NBAS-related disorder. Also called: NBAS-related condition.
Fetal anomalies with a likely genetic cause.
Infantile liver failure syndrome 2 (ILFS2). Identifiers: MedGen C3809651, MONDO:0014659, OMIM 616483.
Short stature-optic atrophy-Pelger-Huët anomaly syndrome. Also called: Short stature, optic nerve atrophy, and Pelger-Huet anomaly; Short stature-optic atrophy-Pelger-HuC+t anomaly syndrome. Identifiers: Orphanet 391677, MedGen C3541319, MONDO:0013889, OMIM 614800.

Allele frequency attached by ClinVar (database versions not stated): ExAC 0.00001; gnomAD 0.00001; gnomAD exomes 0.00002; TOPMed 0.00005.
gnomAD v4.1: 30 of 1,613,802 alleles (0.0019%); highest among the groups gnomAD compares: East Asian, 0.0045%; no homozygotes.

Submissions (4):

Genetics Laboratory, Great Ormond Street Hospital NHS Foundation Trust, North Thames Genomic Laboratory Hub
Classification: Pathogenic for Fetal anomalies with a likely genetic cause. Last evaluated: 2026-02-02. Review status: criteria provided, single submitter. Criteria: ACGS Best Practice Guidelines for Variant Classification in Rare Disease 2024 v1.2. Collection method: clinical testing. Allele origin: germline. Affected: yes.
Comment: PM2_strong, PVS1_very-strong

Labcorp Genetics (formerly Invitae), Labcorp
Classification: Pathogenic. Last evaluated: 2025-12-16. Review status: criteria provided, single submitter. Criteria: Invitae Variant Classification Sherloc (09022015). Collection method: clinical testing. Allele origin: germline.
Comment: This sequence change creates a premature translational stop signal (p.Arg581*) in the NBAS gene. It is expected to result in an absent or disrupted protein product. Loss-of-function variants in NBAS are known to be pathogenic (PMID: 26073778, 26541327, 27789416, 28031453). This variant is present in population databases (rs767280377, gnomAD 0.003%). This variant has not been reported in the literature in individuals affected with NBAS-related conditions. ClinVar contains an entry for this variant (Variation ID: 976858). For these reasons, this variant has been classified as Pathogenic.

Blueprint Genetics
Classification: Likely pathogenic for NBAS-related disorders. Last evaluated: 2024-11-18. Review status: criteria provided, single submitter. Criteria: ACMG Guidelines, 2015. Collection method: clinical testing. Allele origin: germline. Affected: yes. Observed: 4 variant alleles.

Clinical Genomics Laboratory, Stanford Medicine
Classification: Likely pathogenic for Infantile liver failure syndrome 2; Short stature-optic atrophy-Pelger-Huët anomaly syndrome. Last evaluated: 2020-07-29. Review status: no assertion criteria provided. Collection method: clinical testing. Allele origin: germline. Inheritance: Autosomal recessive inheritance. Affected: yes. Not counted in ClinVar's aggregate classification.
Comment: The p.Arg581* variant in the NBAS gene has not been previously reported in association with disease.This variant has been identified in 4/251,070 chromosomes by the Genome Aggregation Database. Although this variant has been seen in the general population, its frequency is low enough to be consistent with a recessive carrier frequency. The p.Arg581* variant leads to a premature stop codon in exon 17 of 52 coding exons, and is therefore predicted to undergo nonsense-mediated decay resulting in a truncated or absent protein.These data were assessed using the ACMG/AMP variant interpretation guidelines. In summary, there is sufficient evidence to classify the p.Arg581*variant as likely pathogenic for NBAS-associated disease in an autosomal recessive manner based on the information above. [ACMG evidence codes used: PVS1;PM2]

Literature cited by the submitters: PubMed 26073778 (cited by Labcorp Genetics (formerly Invitae), Labcorp); PubMed 26541327 (cited by Labcorp Genetics (formerly Invitae), Labcorp); PubMed 27789416 (cited by Labcorp Genetics (formerly Invitae), Labcorp); PubMed 28031453 (cited by Labcorp Genetics (formerly Invitae), Labcorp).

NM_015909.4(NBAS):c.1741C>T (p.Arg581Ter)

Gene: NBAS (NBAS subunit of NRZ tethering complex; minus strand). Cytogenetic location: 2p24.3.
Variant type: single nucleotide variant.
Coding change: c.1741C>T on transcript NM_015909.4 (MANE Select); coding-DNA position 1741, C replaced by T.
Protein change: p.Arg581Ter; replaces arginine 581 with a stop codon.
Molecular consequence: nonsense. On other transcripts: non-coding transcript variant (1).
Genome position (GRCh38, 1-based): chr2:15,468,518, G>A on the plus strand (C>T on the coding strand, the complement: NBAS is on the minus strand). VCF-style: chr2-15468518-G-A. GRCh37 (hg19) VCF-style: chr2-15608642-G-A.
Other names: short protein forms R581*.
Identifiers: ClinVar variation 976858 (VCV000976858.10), dbSNP rs767280377, ClinGen allele CA1536559.
Genomic context (GRCh38, chr2:15,468,518, plus strand): 5'-CTTTTGCAGCATCCACATTTTCAGGAACTCTTTCCAAACACTCATGGAGAACCCAGGATC[G>A]CTTCTTTATTTTACTCTGCATATAAAGGAAGAAACAGAGGAATTACAGAATCCATGACAT-3'